The following is an entry in ClinVar:

NM_001352027.3(PHF21A):c.1339A>G (p.Thr447Ala)

Gene: PHF21A (PHD finger protein 21A; minus strand). Cytogenetic location: 11p11.2.
Variant type: single nucleotide variant.
Coding change: c.1339A>G on transcript NM_001352027.3 (MANE Select); coding-DNA position 1339, A replaced by G.
Protein change: p.Thr447Ala; replaces threonine 447 with alanine.
Molecular consequence: missense variant. On other transcripts: non-coding transcript variant (1), intron variant (6).
Genome position (GRCh38, 1-based): chr11:45,945,953, T>C on the plus strand (A>G on the coding strand, the complement: PHF21A is on the minus strand). VCF-style: chr11-45945953-T-C. GRCh37 (hg19) VCF-style: chr11-45967504-T-C.
Other names: c.1336A>G (NM_001101802.1); c.1336A>G, p.Thr446Ala (NM_001101802.3); c.1339A>G, p.Thr447Ala (NM_001352025.3, NM_001352026.3); c.1308+123A>G (NM_001352030.3, NM_001352031.3, NM_001352032.3); c.1311+123A>G (NM_016621.5, NM_001352028.1, NM_001352029.1); short protein forms T446A, T447A.
Identifiers: ClinVar variation 2411503 (VCV002411503.31), dbSNP rs371629369, ClinGen allele CA5961118.

ClinVar aggregate classification (germline): Conflicting classifications of pathogenicity. Review status: criteria provided, conflicting classifications (1 of 4 stars). 3 submissions from 3 submitters: Uncertain significance (1); Benign (1); Likely benign (1). Last evaluated 2024-03-28.

Conditions:
Inborn genetic diseases. Identifiers: MedGen C0950123, MeSH D030342.

Allele frequency attached by ClinVar (database versions not stated): ExAC 0.00001; gnomAD 0.00003; gnomAD exomes 0.00003; TOPMed 0.00003; ESP Exome Variant Server 0.00008.
gnomAD v4.1: 45 of 1,613,554 alleles (0.0028%); highest among the groups gnomAD compares: Middle Eastern, 0.016%; no homozygotes.

Submissions (3):

Labcorp Genetics (formerly Invitae), Labcorp
Classification: Benign. Last evaluated: 2024-03-28. Review status: criteria provided, single submitter. Criteria: Invitae Variant Classification Sherloc (09022015). Collection method: clinical testing. Allele origin: germline.

CeGaT Center for Human Genetics Tuebingen
Classification: Likely benign. Last evaluated: 2023-11-01. Review status: criteria provided, single submitter. Criteria: CeGaT Center For Human Genetics Tuebingen Variant Classification Criteria Version 2. Collection method: clinical testing. Allele origin: germline. Affected: yes. Observed: 1 variant allele.
Comment: PHF21A: BP4

Ambry Genetics
Classification: Uncertain significance for Inborn genetic diseases. Last evaluated: 2021-06-11. Review status: criteria provided, single submitter. Criteria: Ambry Variant Classification Scheme 2023. Collection method: clinical testing. Allele origin: germline.